The following is an entry in ClinVar:

NM_001148.6(ANK2):c.8564T>C (p.Val2855Ala)

Gene: ANK2 (ankyrin 2; plus strand). Cytogenetic location: 4q26.
Variant type: single nucleotide variant.
Coding change: c.8564T>C on transcript NM_001148.6 (MANE Select); coding-DNA position 8564, T replaced by C.
Protein change: p.Val2855Ala; replaces valine 2855 with alanine.
Molecular consequence: missense variant. On other transcripts: intron variant (68).
Genome position (GRCh38, 1-based): chr4:113,357,182, T>C. VCF-style: chr4-113357182-T-C. GRCh37 (hg19) VCF-style: chr4-114278338-T-C.
Other names: c.8330T>C, p.Val2777Ala (NM_001386142.1); c.4964T>C, p.Val1655Ala (NM_001386166.1); c.8705T>C, p.Val2902Ala (NM_001386174.1); c.8681T>C, p.Val2894Ala (NM_001386175.1); c.4412-3641T>C (NM_001386186.2, NM_001386148.2); c.4214-3641T>C (NM_001354269.3); c.4292-3641T>C (NM_001386187.2); c.4253-3641T>C (NM_001386147.1); and 35 more; short protein forms V1655A, V2855A, V2777A, V2902A, V2894A.
Identifiers: ClinVar variation 1519897 (VCV001519897.8), dbSNP rs2095842682, ClinGen allele CA357934332.

ClinVar aggregate classification (germline): Uncertain significance (1 of 4 stars; one submission).

Conditions:
Long QT syndrome (LQTS). Identifiers: MedGen C0023976, MeSH D008133, MONDO:0002442. Disease mechanism: loss of function. Inheritance: Various modes of inheritance.

Allele frequency attached by ClinVar (database versions not stated): gnomAD exomes below 0.00001; gnomAD 0.00001.
gnomAD v4.1: 2 of 1,614,016 alleles (0.00012%); highest among the groups gnomAD compares: Admixed American, 0.0017%; no homozygotes.

Submission:

Labcorp Genetics (formerly Invitae), Labcorp
Classification: Uncertain significance for Long QT syndrome. Last evaluated: 2021-01-30. Review status: criteria provided, single submitter. Criteria: Invitae Variant Classification Sherloc (09022015). Collection method: clinical testing. Allele origin: germline.
Comment: Algorithms developed to predict the effect of missense changes on protein structure and function output the following: SIFT: "Tolerated"; PolyPhen-2: "Benign"; Align-GVGD: "Class C0". The alanine amino acid residue is found in multiple mammalian species, suggesting that this missense change does not adversely affect protein function. These predictions have not been confirmed by published functional studies and their clinical significance is uncertain. In summary, the available evidence is currently insufficient to determine the role of this variant in disease. Therefore, it has been classified as a Variant of Uncertain Significance. This variant has not been reported in the literature in individuals with ANK2-related conditions. This variant is not present in population databases (ExAC no frequency). This sequence change replaces valine with alanine at codon 2855 of the ANK2 protein (p.Val2855Ala). The valine residue is weakly conserved and there is a small physicochemical difference between valine and alanine.